The following is an entry in ClinVar:

NM_198576.4(AGRN):c.2245G>A (p.Ala749Thr)

Gene: AGRN (agrin; plus strand). Cytogenetic location: 1p36.33.
Variant type: single nucleotide variant.
Coding change: c.2245G>A on transcript NM_198576.4 (MANE Select); coding-DNA position 2245, G replaced by A.
Protein change: p.Ala749Thr; replaces alanine 749 with threonine.
Molecular consequence: missense variant.
Genome position (GRCh38, 1-based): chr1:1,044,430, G>A. VCF-style: chr1-1044430-G-A. GRCh37 (hg19) VCF-style: chr1-979810-G-A.
Other names: c.2245G>A, p.Ala749Thr (NM_001305275.2); c.1930G>A, p.Ala644Thr (NM_001364727.2); short protein forms A644T, A749T.
Identifiers: ClinVar variation 1374837 (VCV001374837.8), dbSNP rs1278297283, ClinGen allele CA337837269.

ClinVar aggregate classification (germline): Uncertain significance (1 of 4 stars; one submission).

Conditions:
Congenital myasthenic syndrome 8. Also called: Myasthenic syndrome, congenital, 8, with pre- and postsynaptic defects; MYASTHENIC SYNDROME, CONGENITAL, DUE TO AGRIN DEFICIENCY. Identifiers: Orphanet 590, MedGen C3808739, MONDO:0014052, OMIM 615120.

Allele frequency attached by ClinVar (database versions not stated): TOPMed below 0.00001; gnomAD 0.00001; gnomAD exomes 0.00001.
gnomAD v4.1: 10 of 1,608,522 alleles (0.00062%); highest among the groups gnomAD compares: Non-Finnish European, 0.00085%; no homozygotes.

Submission:

Labcorp Genetics (formerly Invitae), Labcorp
Classification: Uncertain significance for Congenital myasthenic syndrome 8. Last evaluated: 2021-06-30. Review status: criteria provided, single submitter. Criteria: Invitae Variant Classification Sherloc (09022015). Collection method: clinical testing. Allele origin: germline.
Comment: Algorithms developed to predict the effect of missense changes on protein structure and function output the following: SIFT: "Tolerated"; PolyPhen-2: "Probably Damaging"; Align-GVGD: "Class C0". The threonine amino acid residue is found in multiple mammalian species, which suggests that this missense change does not adversely affect protein function. This sequence change replaces alanine with threonine at codon 749 of the AGRN protein (p.Ala749Thr). The alanine residue is moderately conserved and there is a small physicochemical difference between alanine and threonine. This variant is not present in population databases (ExAC no frequency). This variant has not been reported in the literature in individuals affected with AGRN-related conditions. In summary, the available evidence is currently insufficient to determine the role of this variant in disease. Therefore, it has been classified as a Variant of Uncertain Significance.